The following is an entry in ClinVar:

NM_006361.6(HOXB13):c.454C>A (p.Leu152Met)

Gene: HOXB13 (homeobox B13; minus strand). Cytogenetic location: 17q21.32.
Variant type: single nucleotide variant.
Coding change: c.454C>A on transcript NM_006361.6 (MANE Select); coding-DNA position 454, C replaced by A.
Protein change: p.Leu152Met; replaces leucine 152 with methionine.
Molecular consequence: missense variant.
Genome position (GRCh38, 1-based): chr17:48,728,140, G>T on the plus strand (C>A on the coding strand, the complement: HOXB13 is on the minus strand). VCF-style: chr17-48728140-G-T. GRCh37 (hg19) VCF-style: chr17-46805502-G-T.
Other names: c.454C>A (NM_006361.5); short protein forms L152M.
Identifiers: ClinVar variation 1393713 (VCV001393713.7), dbSNP rs140373548, ClinGen allele CA291350337.

ClinVar aggregate classification (germline): Uncertain significance. Review status: criteria provided, multiple submitters, no conflicts (2 of 4 stars). 2 submissions from 2 submitters: Uncertain significance (2). Last evaluated 2025-01-08.

Conditions:
Hereditary cancer-predisposing syndrome. Also called: Neoplastic Syndromes, Hereditary; Hereditary neoplastic syndrome; Tumor predisposition; Hereditary Cancer Syndrome. Identifiers: Orphanet 140162, MedGen C0027672, MeSH D009386, MONDO:0015356.

Allele frequency attached by ClinVar (database versions not stated): ESP Exome Variant Server 0.00008.

Submissions (2):

Ambry Genetics
Classification: Uncertain significance for Hereditary cancer-predisposing syndrome. Last evaluated: 2025-01-08. Review status: criteria provided, single submitter. Criteria: Ambry Variant Classification Scheme 2023. Collection method: clinical testing. Allele origin: germline.
Comment: The p.L152M variant (also known as c.454C>A), located in coding exon 1 of the HOXB13 gene, results from a C to A substitution at nucleotide position 454. The leucine at codon 152 is replaced by methionine, an amino acid with highly similar properties. This amino acid position is well conserved in available vertebrate species. In addition, the in silico prediction for this alteration is inconclusive. Based on the available evidence, the clinical significance of this variant remains unclear.

Labcorp Genetics (formerly Invitae), Labcorp
Classification: Uncertain significance. Last evaluated: 2022-03-04. Review status: criteria provided, single submitter. Criteria: Invitae Variant Classification Sherloc (09022015). Collection method: clinical testing. Allele origin: germline.
Comment: This sequence change replaces leucine, which is neutral and non-polar, with methionine, which is neutral and non-polar, at codon 152 of the HOXB13 protein (p.Leu152Met). This variant is not present in population databases (gnomAD no frequency). This variant has not been reported in the literature in individuals affected with HOXB13-related conditions. Algorithms developed to predict the effect of missense changes on protein structure and function are either unavailable or do not agree on the potential impact of this missense change (SIFT: "Tolerated"; PolyPhen-2: "Possibly Damaging"; Align-GVGD: "Class C0"). In summary, the available evidence is currently insufficient to determine the role of this variant in disease. Therefore, it has been classified as a Variant of Uncertain Significance.